The following is an entry in ClinVar:

NM_001379286.1(ZNF423):c.3373T>A (p.Cys1125Ser)

Gene: ZNF423 (zinc finger protein 423; minus strand). Cytogenetic location: 16q12.1.
Variant type: single nucleotide variant.
Coding change: c.3373T>A on transcript NM_001379286.1 (MANE Select); coding-DNA position 3373, T replaced by A.
Protein change: p.Cys1125Ser; replaces cysteine 1125 with serine.
Molecular consequence: missense variant.
Genome position (GRCh38, 1-based): chr16:49,635,803, A>T on the plus strand (T>A on the coding strand, the complement: ZNF423 is on the minus strand). VCF-style: chr16-49635803-A-T. GRCh37 (hg19) VCF-style: chr16-49669714-A-T.
Other names: c.3169T>A, p.Cys1057Ser (NM_001271620.2); c.2998T>A, p.Cys1000Ser (NM_001330533.2); c.3349T>A, p.Cys1117Ser (NM_015069.5); short protein forms C1000S, C1057S, C1117S, C1125S.
Identifiers: ClinVar variation 850315 (VCV000850315.6), dbSNP rs557608915, ClinGen allele CA8046314.

ClinVar aggregate classification (germline): Uncertain significance (1 of 4 stars; one submission).

Conditions:
Nephronophthisis 14 (NPHP14). Identifiers: Orphanet 2318, MedGen C3539071, MONDO:0013916, OMIM 614844.

Allele frequency attached by ClinVar (database versions not stated): gnomAD exomes 0.00003 and 0.00014; gnomAD 0.00004; TOPMed 0.00005; ExAC 0.00013; 1000 Genomes Project 30x 0.00016; 1000 Genomes Project 0.00020.
gnomAD v4.1: 49 of 1,611,310 alleles (0.003%); highest among the groups gnomAD compares: East Asian, 0.1%; no homozygotes.

Submission:

Labcorp Genetics (formerly Invitae), Labcorp
Classification: Uncertain significance for Nephronophthisis 14. Last evaluated: 2024-08-06. Review status: criteria provided, single submitter. Criteria: Invitae Variant Classification Sherloc (09022015). Collection method: clinical testing. Allele origin: germline.
Comment: This sequence change replaces cysteine, which is neutral and slightly polar, with serine, which is neutral and polar, at codon 1117 of the ZNF423 protein (p.Cys1117Ser). This variant is present in population databases (rs557608915, gnomAD 0.2%). This variant has not been reported in the literature in individuals affected with ZNF423-related conditions. ClinVar contains an entry for this variant (Variation ID: 850315). Advanced modeling of protein sequence and biophysical properties (such as structural, functional, and spatial information, amino acid conservation, physicochemical variation, residue mobility, and thermodynamic stability) performed at Invitae indicates that this missense variant is not expected to disrupt ZNF423 protein function with a negative predictive value of 80%. In summary, the available evidence is currently insufficient to determine the role of this variant in disease. Therefore, it has been classified as a Variant of Uncertain Significance.